The following is an entry in ClinVar:

NM_032141.4(NSRP1):c.270T>A (p.Asn90Lys)

Gene: NSRP1 (nuclear speckle splicing regulatory protein 1; plus strand). Cytogenetic location: 17q11.2.
Variant type: single nucleotide variant.
Coding change: c.270T>A on transcript NM_032141.4 (MANE Select); coding-DNA position 270, T replaced by A.
Protein change: p.Asn90Lys; replaces asparagine 90 with lysine.
Molecular consequence: missense variant.
Genome position (GRCh38, 1-based): chr17:30,178,169, T>A. VCF-style: chr17-30178169-T-A. GRCh37 (hg19) VCF-style: chr17-28505187-T-A.
Other names: c.108T>A, p.Asn36Lys (NM_001261467.2); short protein forms N36K, N90K.
Identifiers: ClinVar variation 4883416 (VCV004883416.2).

ClinVar aggregate classification (germline): Uncertain significance (1 of 4 stars; one submission).

Submission:

Dasa
Classification: Uncertain significance. Last evaluated: 2024-12-20. Review status: criteria provided, single submitter. Criteria: DASA Assertion Criteria. Collection method: clinical testing. Allele origin: germline.
Comment: NM_032141.4(NSRP1):c.270T>A (p.Asn90Lys) is a missense variant that results in the substitution of asparagine with lysine. This variant is absent from population databases. Computational prediction algorithms are consistent with a benign effect. The currently available literature and clinical evidence are not sufficient to establish a definitive association between this variant and the reported condition. Therefore, this variant is classified as a variant of uncertain significance.